The following is an entry in ClinVar:

ClinVar aggregate classification (germline): Likely benign. Review status: criteria provided, multiple submitters, no conflicts (2 of 4 stars). 2 submissions from 2 submitters: Likely benign (2). Last evaluated 2023-11-14.

Conditions:
Methylmalonic acidemia with homocystinuria, type cblX (MAHCX). Also called: INTELLECTUAL DEVELOPMENTAL DISORDER, X-LINKED 3. Identifiers: Orphanet 369962, MedGen C0796208, MONDO:0010657, OMIM 309541.

gnomAD v4.1: 7 of 1,184,076 alleles (0.00059%); highest among the groups gnomAD compares: South Asian, 0.013%; no homozygotes.

Submissions (2):

Labcorp Genetics (formerly Invitae), Labcorp
Classification: Likely benign for Methylmalonic acidemia with homocystinuria, type cblX. Last evaluated: 2023-11-14. Review status: criteria provided, single submitter. Criteria: Invitae Variant Classification Sherloc (09022015). Collection method: clinical testing. Allele origin: germline.

GeneDx
Classification: Likely benign. Last evaluated: 2017-10-26. Review status: criteria provided, single submitter. Criteria: GeneDx Variant Classification (06012015). Collection method: clinical testing. Allele origin: germline. Affected: yes.
Comment: This variant is considered likely benign or benign based on one or more of the following criteria: it is a conservative change, it occurs at a poorly conserved position in the protein, it is predicted to be benign by multiple in silico algorithms, and/or has population frequency not consistent with disease.

NM_005334.3(HCFC1):c.1084+18G>T

Gene: HCFC1 (host cell factor C1; minus strand). Cytogenetic location: Xq28.
Variant type: single nucleotide variant.
Coding change: c.1084+18G>T on transcript NM_005334.3 (MANE Select); 18 bases into the intron after coding-DNA position 1084, G replaced by T.
Molecular consequence: intron variant.
Genome position (GRCh38, 1-based): chrX:153,960,217, C>A on the plus strand (G>T on the coding strand, the complement: HCFC1 is on the minus strand). VCF-style: chrX-153960217-C-A. GRCh37 (hg19) VCF-style: chrX-153225668-C-A.
Identifiers: ClinVar variation 512770 (VCV000512770.4), dbSNP rs782811477, ClinGen allele CA645289676.